The following is an entry in ClinVar:

NM_020911.2(PLXNA4):c.5590-5C>T

Gene: PLXNA4 (plexin A4; minus strand). Cytogenetic location: 7q32.3.
Variant type: single nucleotide variant.
Coding change: c.5590-5C>T on transcript NM_020911.2 (MANE Select); 5 bases into the intron before coding-DNA position 5590, C replaced by T.
Molecular consequence: intron variant.
Genome position (GRCh38, 1-based): chr7:132,130,579, G>A on the plus strand (C>T on the coding strand, the complement: PLXNA4 is on the minus strand). VCF-style: chr7-132130579-G-A. GRCh37 (hg19) VCF-style: chr7-131815338-G-A.
Other names: c.5590-5C>T (NM_001393897.1).
Identifiers: ClinVar variation 3054243 (VCV003054243.2), dbSNP rs557348616, ClinGen allele CA4488845.
Genomic context (GRCh38, chr7:132,130,579, plus strand): 5'-TTGTAGGCCAGTTTCTGCTTCCCACACTGGTCATCGTGGTCCAGAGGTCCAAGGATCTGC[G>A]GAAGGGCCAAGAACAGGGAGATTACTCATTTGTGTGTACAGGTCTGTGTTCTCAGGAGGC-3'

ClinVar aggregate classification (germline): Likely benign (0 of 4 stars; one submission).

Conditions:
PLXNA4-related disorder. Also called: PLXNA4-related condition.

Allele frequency attached by ClinVar (database versions not stated): ExAC 0.00002; gnomAD exomes 0.00002; TOPMed 0.00002; gnomAD 0.00003; 1000 Genomes Project 30x 0.00016; 1000 Genomes Project 0.00020.
gnomAD v4.1: 39 of 1,614,072 alleles (0.0024%); highest among the groups gnomAD compares: Middle Eastern, 0.033%; 1 homozygote.

Submission:

PreventionGenetics, part of Exact Sciences
Classification: Likely benign for PLXNA4-related condition. Last evaluated: 2021-09-03. Review status: no assertion criteria provided. Collection method: clinical testing. Allele origin: germline.
Comment: This variant is classified as likely benign based on ACMG/AMP sequence variant interpretation guidelines (Richards et al. 2015 PMID: 25741868, with internal and published modifications).